The following is an entry in ClinVar:

ClinVar aggregate classification (germline): Uncertain significance. Review status: criteria provided, multiple submitters, no conflicts (2 of 4 stars). 3 submissions from 3 submitters: Uncertain significance (3). Last evaluated 2023-01-21.

Conditions:
Walker-Warburg congenital muscular dystrophy. Also called: Muscular dystrophy-dystroglycanopathy, type A; Walker-Warburg syndrome. Identifiers: Orphanet 899, MedGen C0265221, MONDO:0000171.
Cardiovascular phenotype. Identifiers: MedGen CN230736.

Submissions (3):

Women's Health and Genetics/Laboratory Corporation of America, LabCorp
Classification: Uncertain significance. Last evaluated: 2023-01-21. Review status: criteria provided, single submitter. Criteria: LabCorp Variant Classification Summary - May 2015. Collection method: clinical testing. Allele origin: germline.

Ambry Genetics
Classification: Uncertain significance for Cardiovascular phenotype. Last evaluated: 2021-11-09. Review status: criteria provided, single submitter. Criteria: Ambry Variant Classification Scheme 2023. Collection method: clinical testing. Allele origin: germline.
Comment: The p.G125A variant (also known as c.374G>C), located in coding exon 4 of the FKTN gene, results from a G to C substitution at nucleotide position 374. The glycine at codon 125 is replaced by alanine, an amino acid with similar properties. This amino acid position is conserved. In addition, the in silico prediction for this alteration is inconclusive. Since supporting evidence is limited at this time, the clinical significance of this alteration remains unclear.

Labcorp Genetics (formerly Invitae), Labcorp
Classification: Uncertain significance for Walker-Warburg congenital muscular dystrophy. Last evaluated: 2021-10-08. Review status: criteria provided, single submitter. Criteria: Invitae Variant Classification Sherloc (09022015). Collection method: clinical testing. Allele origin: germline.
Comment: This sequence change replaces glycine with alanine at codon 125 of the FKTN protein (p.Gly125Ala). The glycine residue is moderately conserved and there is a small physicochemical difference between glycine and alanine. This variant is present in population databases (rs142783718, ExAC 0.006%). This variant has not been reported in the literature in individuals affected with FKTN-related conditions. Algorithms developed to predict the effect of missense changes on protein structure and function (SIFT, PolyPhen-2, Align-GVGD) all suggest that this variant is likely to be tolerated. In summary, the available evidence is currently insufficient to determine the role of this variant in disease. Therefore, it has been classified as a Variant of Uncertain Significance.

NM_001079802.2(FKTN):c.374G>C (p.Gly125Ala)

Gene: FKTN (fukutin; plus strand). Cytogenetic location: 9q31.2.
Variant type: single nucleotide variant.
Coding change: c.374G>C on transcript NM_001079802.2 (MANE Select); coding-DNA position 374, G replaced by C.
Protein change: p.Gly125Ala; replaces glycine 125 with alanine.
Molecular consequence: missense variant. On other transcripts: 5 prime UTR variant (4), non-coding transcript variant (2).
Genome position (GRCh38, 1-based): chr9:105,604,219, G>C. VCF-style: chr9-105604219-G-C. GRCh37 (hg19) VCF-style: chr9-108366500-G-C.
Other names: c.374G>C, p.Gly125Ala (NM_001198963.2, NM_001351496.2, NM_001351498.2 and 1 more transcripts); c.305G>C, p.Gly102Ala (NM_001351497.2); c.-23G>C (NM_001351499.2, NM_001351500.2, NM_001351501.2 and 1 more transcripts); short protein forms G102A, G125A.
Identifiers: ClinVar variation 1407671 (VCV001407671.7), dbSNP rs142783718, ClinGen allele CA5170398.